The following is an entry in ClinVar:

ClinVar aggregate classification (germline): Benign/Likely benign. Review status: criteria provided, multiple submitters, no conflicts (2 of 4 stars). 4 submissions from 4 submitters: Benign (1); Likely benign (2). 1 of the submissions does not count toward it. Last evaluated 2025-12-06.

Conditions:
Inborn genetic diseases. Identifiers: MedGen C0950123, MeSH D030342.
Pyruvate dehydrogenase E1-alpha deficiency (PDHAD). Also called: ATAXIA, INTERMITTENT, WITH PYRUVATE DEHYDROGENASE DEFICIENCY; ATAXIA WITH LACTIC ACIDOSIS I; ATAXIA, INTERMITTENT, WITH ABNORMAL PYRUVATE METABOLISM; Ataxia, intermittent, with pyruvate dehydrogenase, or decarboxylase, deficiency. Identifiers: Orphanet 79243, MedGen C1839413, MONDO:0010717, OMIM 312170.
Pyruvate dehydrogenase complex deficiency (PDHC). Also called: PDH DEFICIENCY; PYRUVATE DECARBOXYLASE DEFICIENCY; Pyruvate Dehydrogenase Complex Deficiency Disease; Pyruvate dehydrogenase deficiency; Ataxia with lactic acidosis 1. Identifiers: Orphanet 765, Orphanet 79243, MedGen C0034345, MONDO:0019169.

Allele frequency attached by ClinVar (database versions not stated): ExAC 0.00001; gnomAD exomes 0.00002 and 0.00008; TOPMed 0.00003.
gnomAD v4.1: 19 of 1,209,873 alleles (0.0016%); highest among the groups gnomAD compares: Admixed American, 0.022%; no homozygotes.

Submissions (4):

Labcorp Genetics (formerly Invitae), Labcorp
Classification: Benign for Pyruvate dehydrogenase E1-alpha deficiency. Last evaluated: 2025-12-06. Review status: criteria provided, single submitter. Criteria: Invitae Variant Classification Sherloc (09022015). Collection method: clinical testing. Allele origin: germline.

CeGaT Center for Human Genetics Tuebingen
Classification: Likely benign. Last evaluated: 2025-10-01. Review status: criteria provided, single submitter. Criteria: CeGaT Center For Human Genetics Tuebingen Variant Classification Criteria Version 2. Collection method: clinical testing. Allele origin: germline. Affected: yes. Observed: 1 variant allele.
Comment: PDHA1: BP4, BP7, BS2

Ambry Genetics
Classification: Likely benign for Inborn genetic diseases. Last evaluated: 2018-03-21. Review status: criteria provided, single submitter. Criteria: Ambry Variant Classification Scheme 2023. Collection method: clinical testing. Allele origin: germline.

Natera, Inc.
Classification: Uncertain significance for Pyruvate decarboxylase deficiency. Last evaluated: 2020-03-17. Review status: no assertion criteria provided. Collection method: clinical testing. Allele origin: germline. Not counted in ClinVar's aggregate classification.

NM_000284.4(PDHA1):c.870C>T (p.His290=)

Gene: PDHA1 (pyruvate dehydrogenase E1 subunit alpha 1; plus strand). Cytogenetic location: Xp22.12.
Variant type: single nucleotide variant.
Coding change: c.870C>T on transcript NM_000284.4 (MANE Select); coding-DNA position 870, C replaced by T.
Protein change: p.His290=; no amino-acid change (histidine 290 retained).
Molecular consequence: synonymous variant.
Genome position (GRCh38, 1-based): chrX:19,357,690, C>T. VCF-style: chrX-19357690-C-T. GRCh37 (hg19) VCF-style: chrX-19375808-C-T.
Other names: c.984C>T, p.His328= (NM_001173454.2); c.891C>T, p.His297= (NM_001173455.2); c.777C>T, p.His259= (NM_001173456.2).
Identifiers: ClinVar variation 797499 (VCV000797499.19), dbSNP rs761411007, ClinGen allele CA10363140.